The following is an entry in ClinVar:

NM_001928.4(CFD):c.562G>A (p.Ala188Thr)

Gene: CFD (complement factor D; plus strand). Cytogenetic location: 19p13.3.
Variant type: single nucleotide variant.
Coding change: c.562G>A on transcript NM_001928.4 (MANE Select); coding-DNA position 562, G replaced by A.
Protein change: p.Ala188Thr; replaces alanine 188 with threonine.
Molecular consequence: missense variant.
Genome position (GRCh38, 1-based): chr19:861,903, G>A. VCF-style: chr19-861903-G-A. GRCh37 (hg19) VCF-style: chr19-861903-G-A.
Other names: c.583G>A, p.Ala195Thr (NM_001317335.2); short protein forms A195T, A188T.
Identifiers: ClinVar variation 2174064 (VCV002174064.4), dbSNP rs758829036, ClinGen allele CA9026398.

ClinVar aggregate classification (germline): Conflicting classifications of pathogenicity. Review status: criteria provided, conflicting classifications (1 of 4 stars). 2 submissions from 2 submitters: Uncertain significance (1); Likely benign (1). Last evaluated 2024-10-24.

Allele frequency attached by ClinVar (database versions not stated): gnomAD exomes 0.00003; TOPMed 0.00004; gnomAD 0.00006; ExAC 0.00013.
gnomAD v4.1: 56 of 1,578,488 alleles (0.0035%); highest among the groups gnomAD compares: Middle Eastern, 0.017%; no homozygotes.

Submissions (2):

Labcorp Genetics (formerly Invitae), Labcorp
Classification: Uncertain significance. Last evaluated: 2024-10-24. Review status: criteria provided, single submitter. Criteria: Invitae Variant Classification Sherloc (09022015). Collection method: clinical testing. Allele origin: germline.
Comment: This sequence change replaces alanine, which is neutral and non-polar, with threonine, which is neutral and polar, at codon 188 of the CFD protein (p.Ala188Thr). The frequency data for this variant in the population databases is considered unreliable, as metrics indicate poor data quality at this position in the gnomAD database. This variant has not been reported in the literature in individuals affected with CFD-related conditions. ClinVar contains an entry for this variant (Variation ID: 2174064). An algorithm developed to predict the effect of missense changes on protein structure and function outputs the following: PolyPhen-2: "Benign". The threonine amino acid residue is found in multiple mammalian species, which suggests that this missense change does not adversely affect protein function. In summary, the available evidence is currently insufficient to determine the role of this variant in disease. Therefore, it has been classified as a Variant of Uncertain Significance.

Ambry Genetics
Classification: Likely benign. Last evaluated: 2021-08-12. Review status: criteria provided, single submitter. Criteria: Ambry Variant Classification Scheme 2023. Collection method: clinical testing. Allele origin: germline.